The following is an entry in ClinVar:

ClinVar aggregate classification (germline): Likely benign (1 of 4 stars; one submission).

Allele frequency attached by ClinVar (database versions not stated): TOPMed 0.00011; gnomAD exomes 0.00012; gnomAD 0.00013; ESP Exome Variant Server 0.00016; ExAC 0.00027.
gnomAD v4.1: 203 of 1,611,580 alleles (0.013%); highest among the groups gnomAD compares: Admixed American, 0.025%; no homozygotes.

Submission:

CeGaT Center for Human Genetics Tuebingen
Classification: Likely benign. Last evaluated: 2023-03-01. Review status: criteria provided, single submitter. Criteria: CeGaT Center For Human Genetics Tuebingen Variant Classification Criteria Version 2. Collection method: clinical testing. Allele origin: germline. Affected: yes. Observed: 1 variant allele.
Comment: MUC5B: BP4

NM_002458.3(MUC5B):c.6923C>T (p.Thr2308Met)

Genes: MUC5B (mucin 5B, oligomeric mucus/gel-forming; plus strand), MUC5B-AS1 (MUC5B antisense RNA 1; minus strand). Cytogenetic location: 11p15.5.
Variant type: single nucleotide variant.
Coding change: c.6923C>T on transcript NM_002458.3 (MANE Select); coding-DNA position 6923, C replaced by T.
Protein change: p.Thr2308Met; replaces threonine 2308 with methionine.
Molecular consequence: missense variant.
Genome position (GRCh38, 1-based): chr11:1,243,803, C>T. VCF-style: chr11-1243803-C-T. GRCh37 (hg19) VCF-style: chr11-1265033-C-T.
Other names: short protein forms T2308M.
Identifiers: ClinVar variation 2641227 (VCV002641227.24), dbSNP rs199582536, ClinGen allele CA5806190.